The following is an entry in ClinVar:

ClinVar aggregate classification (germline): Pathogenic. Review status: criteria provided, multiple submitters, no conflicts (2 of 4 stars). 2 submissions from 2 submitters: Pathogenic (2). Last evaluated 2023-08-27.

Conditions:
Early-infantile DEE. Also called: Ohtahara syndrome; Early infantile epileptic encephalopathy with suppression bursts; Early infantile epileptic encephalopathy. Identifiers: Orphanet 1934, MedGen C0393706, MONDO:0800491.

Submissions (2):

Labcorp Genetics (formerly Invitae), Labcorp
Classification: Pathogenic for Early-infantile DEE. Last evaluated: 2023-08-27. Review status: criteria provided, single submitter. Criteria: Invitae Variant Classification Sherloc (09022015). Collection method: clinical testing. Allele origin: germline.
Comment: ClinVar contains an entry for this variant (Variation ID: 872260). For these reasons, this variant has been classified as Pathogenic. This variant disrupts the p.Val250 amino acid residue in KCNQ2. Other variant(s) that disrupt this residue have been determined to be pathogenic (Invitae). This suggests that this residue is clinically significant, and that variants that disrupt this residue are likely to be disease-causing. Algorithms developed to predict the effect of sequence changes on RNA splicing suggest that this variant may create or strengthen a splice site. Advanced modeling of protein sequence and biophysical properties (such as structural, functional, and spatial information, amino acid conservation, physicochemical variation, residue mobility, and thermodynamic stability) performed at Invitae indicates that this missense variant is expected to disrupt KCNQ2 protein function. This missense change has been observed in individual(s) with KCNQ2-related conditions (PMID: 27779742). In at least one individual the variant was observed to be de novo. This variant is not present in population databases (gnomAD no frequency). This sequence change replaces valine, which is neutral and non-polar, with leucine, which is neutral and non-polar, at codon 250 of the KCNQ2 protein (p.Val250Leu).

CeGaT Center for Human Genetics Tuebingen
Classification: Pathogenic. Last evaluated: 2018-04-01. Review status: criteria provided, single submitter. Criteria: CeGaT Center For Human Genetics Tuebingen Variant Classification Criteria Version 2. Collection method: clinical testing. Allele origin: germline. Affected: yes. Observed: 3 variant alleles.

Literature cited by the submitters: PubMed 27779742 (cited by Labcorp Genetics (formerly Invitae), Labcorp).

NM_172107.4(KCNQ2):c.748G>T (p.Val250Leu)

Gene: KCNQ2 (potassium voltage-gated channel subfamily Q member 2; minus strand). Cytogenetic location: 20q13.33.
Variant type: single nucleotide variant.
Coding change: c.748G>T on transcript NM_172107.4 (MANE Select); coding-DNA position 748, G replaced by T.
Protein change: p.Val250Leu; replaces valine 250 with leucine.
Molecular consequence: missense variant.
Genome position (GRCh38, 1-based): chr20:63,442,474, C>A on the plus strand (G>T on the coding strand, the complement: KCNQ2 is on the minus strand). VCF-style: chr20-63442474-C-A. GRCh37 (hg19) VCF-style: chr20-62073827-C-A.
Other names: c.748G>T, p.Val250Leu (NM_004518.6, NM_172106.3, NM_172108.5 and 1 more transcripts); short protein forms V250L.
Identifiers: ClinVar variation 872260 (VCV000872260.49), dbSNP rs2081190344, ClinGen allele CA409653918.